The following is an entry in ClinVar:

NM_000237.3(LPL):c.835C>G (p.Leu279Val)

Gene: LPL (lipoprotein lipase; plus strand). Cytogenetic location: 8p21.3.
Variant type: single nucleotide variant.
Coding change: c.835C>G on transcript NM_000237.3 (MANE Select); coding-DNA position 835, C replaced by G.
Protein change: p.Leu279Val; replaces leucine 279 with valine.
Molecular consequence: missense variant.
Genome position (GRCh38, 1-based): chr8:19,955,900, C>G. VCF-style: chr8-19955900-C-G. GRCh37 (hg19) VCF-style: chr8-19813411-C-G.
Other names: short protein forms L279V.
Identifiers: ClinVar variation 855588 (VCV000855588.22), dbSNP rs371282890, ClinGen allele CA4655546.
Genomic context (GRCh38, chr8:19,955,900, plus strand): 5'-GATGTGGACCAGCTAGTGAAGTGCTCCCACGAGCGCTCCATTCATCTCTTCATCGACTCT[C>G]TGTTGAATGAAGAAAATCCAAGTAAGGCCTACAGGTGCAGTTCCAAGGAAGCCTTTGAGA-3'
Protein context (NP_000228.1, residues 269-289): ERSIHLFIDS[Leu279Val]LNEENPSKAY

ClinVar aggregate classification (germline): Pathogenic/Likely pathogenic. Review status: criteria provided, multiple submitters, no conflicts (2 of 4 stars). 11 submissions from 11 submitters: Pathogenic (10); Likely pathogenic (1). Last evaluated 2025-12-09.

Conditions:
Cardiovascular phenotype. Identifiers: MedGen CN230736.
LPL-related disorder. Also called: LPL-related condition.
Hyperlipoproteinemia, type I. Also called: HYPERLIPOPROTEINEMIA, TYPE IA; LPL DEFICIENCY; Lipoprotein Lipase Deficiency; Familial Lipoprotein Lipase Deficiency; Lipase D deficiency; Hyperlipoproteinemia type 1. Identifiers: Orphanet 309015, Orphanet 444490, MedGen C0023817, MONDO:0009387, OMIM 238600. Disease mechanism: loss of function.
Hyperlipidemia, familial combined, LPL related (FCHL3). Also called: Hyperapobetalipoproteinemia. Identifiers: MedGen C0020474, MONDO:0007759, OMIM 144250, HP:0008158.

Allele frequency attached by ClinVar (database versions not stated): gnomAD exomes 0.00002 and 0.00011; TOPMed 0.00004; gnomAD 0.00006; ExAC 0.00013.

Submissions (11):

Labcorp Genetics (formerly Invitae), Labcorp
Classification: Pathogenic. Last evaluated: 2025-12-09. Review status: criteria provided, single submitter. Criteria: Invitae Variant Classification Sherloc (09022015). Collection method: clinical testing. Allele origin: germline.
Comment: This sequence change replaces leucine, which is neutral and non-polar, with valine, which is neutral and non-polar, at codon 279 of the LPL protein (p.Leu279Val). This variant is present in population databases (rs371282890, gnomAD 0.2%). This missense change has been observed in individual(s) with chylomicronemia (PMID: 10560236, 10619999). It has also been observed to segregate with disease in related individuals. This variant is also known as p.Leu252Val. ClinVar contains an entry for this variant (Variation ID: 855588). Invitae Evidence Modeling of protein sequence and biophysical properties (such as structural, functional, and spatial information, amino acid conservation, physicochemical variation, residue mobility, and thermodynamic stability) indicates that this missense variant is not expected to disrupt LPL protein function with a negative predictive value of 80%. Experimental studies have shown that this missense change affects LPL function (PMID: 10560236, 10619999). For these reasons, this variant has been classified as Pathogenic.

PreventionGenetics, part of Exact Sciences
Classification: Pathogenic for LPL-related condition. Last evaluated: 2025-11-07. Review status: criteria provided, single submitter. Criteria: ACMG Guidelines, 2015. Collection method: clinical testing. Allele origin: germline.
Comment: The LPL c.835C>G variant is predicted to result in the amino acid substitution p.Leu279Val. This variant is also referred to as Leu252Val using legacy nomenclature. This variant has been reported in the homozygous or compound heterozygous state in individuals with lipoprotein lipase deficiency and segregated with disease in affected family members (see, for example: Kao et al. 1999. PubMed ID: 10560236; Chan et al. 2000. PubMed ID: 10619999; Chen et al. 2014. PubMed ID: 24646025). In vitro experimental studies indicate this variant impacts protein function (Kao et al. 1999. PubMed ID: 10560236; Chan et al. 2000. PubMed ID: 10619999). This variant is reported in 0.16% of alleles in individuals of East Asian descent in gnomAD. Another missense variant affecting the same amino acid (p.Leu279Arg) has also been reported in individuals with lipoprotein lipase deficiency (Ma et al. 1994. PubMed ID: 8077845). This variant is interpreted as pathogenic.

Natera, Inc.
Classification: Pathogenic for Lipoprotein lipase deficiency. Last evaluated: 2025-07-21. Review status: criteria provided, single submitter. Criteria: Natera Variant Classification Schema (03/2026). Collection method: clinical testing. Allele origin: germline.
Comment: The c.835C>G variant in LPL is a missense variant predicted to cause substitution of leucine to valine at amino acid 279. This variant has been observed in one or more individuals affected with the associated recessive disease, as either homozygous or compound heterozygous with a second variant (PMID: 12883259, 16972177). Given the available evidence, this variant is classified as Pathogenic.

Ambry Genetics
Classification: Pathogenic for Cardiovascular phenotype. Last evaluated: 2024-08-14. Review status: criteria provided, single submitter. Criteria: Ambry Variant Classification Scheme 2023. Collection method: clinical testing. Allele origin: germline.
Comment: The p.L279V pathogenic mutation (also known as c.835C>G), located in coding exon 6 of the LPL gene, results from a C to G substitution at nucleotide position 835. The leucine at codon 279 is replaced by valine, an amino acid with highly similar properties. This variant has been identified in the homozygous state and/or in conjunction with other LPL variant(s) in individual(s) with features consistent with chylomicronemia syndrome; in at least one instance, the variants were identified in trans (Chen TZ et al. Lipids Health Dis, 2014 Mar;13:52; Liu Y et al. J Clin Lipidol, 2016 Sep;10:199-203.e1; Nierman MC et al. J Inherit Metab Dis, 2006 Oct;29:686; Li X et al. Lipids Health Dis, 2018 Jun;17:144; Poon SWY et al. Endocrinol Diabetes Metab Case Rep, 2019 Jul;2019:1-5; Han P et al. J Cell Mol Med. 2020 Jan;24(2):1286-1299). In an assay testing LPL function, this variant showed a functionally abnormal result (Han P et al. J Cell Mol Med. 2020 Jan;24(2):1286-1299. This amino acid position is highly conserved in available vertebrate species. In addition, this alteration is predicted to be deleterious by in silico analysis. Based on the supporting evidence, this variant is interpreted as a disease-causing mutation.

GeneDx
Classification: Pathogenic. Last evaluated: 2023-08-16. Review status: criteria provided, single submitter. Criteria: GeneDx Variant Classification Process June 2021. Collection method: clinical testing. Allele origin: germline. Affected: yes.
Comment: Published functional studies demonstrate reduced LPL activity (Kao et al., 1999; Chen et al., 2014; Han et al., 2020); In silico analysis supports that this missense variant has a deleterious effect on protein structure/function; Also known as p.(L252V); This variant is associated with the following publications: (PMID: 29921298, 30420299, 33694176, 24646025, 10560236, 16460718, 27206937, 31901151, 27055971, 32041611, 26892137, 32190547, 31352695, 26079787, 33217533)

Baylor Genetics
Classification: Pathogenic for Hyperlipoproteinemia, type I. Last evaluated: 2022-11-29. Review status: criteria provided, single submitter. Criteria: ACMG Guidelines, 2015. Collection method: clinical testing. Allele origin: unknown.

Fulgent Genetics
Classification: Pathogenic for Hyperlipidemia, familial combined, LPL related; Hyperlipoproteinemia, type I. Last evaluated: 2022-02-08. Review status: criteria provided, single submitter. Criteria: ACMG Guidelines, 2015. Collection method: clinical testing. Allele origin: unknown.

3billion
Classification: Pathogenic for Hyperlipoproteinemia, type I. Last evaluated: 2022-01-03. Review status: criteria provided, single submitter. Criteria: ACMG Guidelines, 2015. Collection method: clinical testing. Allele origin: germline. Affected: yes. Observed: 1 heterozygote.
Comment: Same nucleotide change resulting in same amino acid change has been previously reported to be associated with LPL related disorder (ClinVar ID: VCV000855588). Functional studies provide strong evidence of the variant having a damaging effect on the gene or gene product (PMID:10619999, PS3_S). The variant has been reported to be in trans with a pathogenic variant as either compound heterozygous or homozygous in at least one similarly affected unrelated individual (PMID:10619999, PM3_M). A different missense change at the same codon (p.Leu279Arg) has been reported as pathogenic/likely pathogenic with strong evidence (ClinVar ID: VCV000851236, PMID:8077845, PM5_M). In silico tool predictions suggest damaging effect of the variant on gene or gene product (REVEL: 0.74, PP3_P). A missense variant is a common mechanism associated with Lipoprotein lipase deficiency (PP2_P). It is observed at an extremely low frequency in the gnomAD v2.1.1 dataset (total allele frequency: 0.000124, PM2_M). Therefore, this variant is classified as pathogenic according to the recommendation of ACMG/AMP guideline.

Women's Health and Genetics/Laboratory Corporation of America, LabCorp
Classification: Pathogenic for Hyperlipoproteinemia, type I. Last evaluated: 2021-12-18. Review status: criteria provided, single submitter. Criteria: LabCorp Variant Classification Summary - May 2015. Collection method: clinical testing. Allele origin: germline.
Comment: Variant summary: LPL c.835C>G (p.Leu279Val) results in a conservative amino acid change located in the Lipase domain (IPR013818) of the encoded protein sequence. Three of five in-silico tools predict a damaging effect of the variant on protein function. The variant allele was found at a frequency of 0.00011 in 251332 control chromosomes. This frequency is not significantly higher than estimated for a pathogenic variant in LPL causing Familial Lipoprotein Lipase Deficiency (0.00011 vs 0.0034), allowing no conclusion about variant significance. c.835C>G has been reported as a homozygous and compound heterozygous genotype in the literature in multiple individuals affected with Familial Lipoprotein Lipase Deficiency (example, Kao_1999, Chan_2000, Li_2018). These data indicate that the variant is very likely to be associated with disease. At least one publication reports experimental evidence evaluating an impact on protein function. The most pronounced variant effect results in <10% of normal Lipoprotein lipase enzyme activity in-vitro (example, Kao_1999, Chan_2000). One clinical diagnostic laboratory has submitted clinical-significance assessments for this variant to ClinVar after 2014 without evidence for independent evaluation and classified the variant as pathogenic. Based on the evidence outlined above, the variant was classified as pathogenic.

Cardiovascular Genetics Laboratory, PathWest Laboratory Medicine WA - Fiona Stanley Hospital
Classification: Likely pathogenic for Hyperlipoproteinemia, type I. Last evaluated: 2021-07-30. Review status: criteria provided, single submitter. Criteria: ACMG Guidelines, 2015. Collection method: clinical testing. Allele origin: germline.
Comment: Homozygosity for LPL p.Leu279Val has been reported in several patients with familial chylomicronaemia syndrome (LPL deficiency); cell studies demonstrated reduced catalytic activity and secretion of LPL p.Leu279Val (PMID:31901151, PMID:10560236).

Juno Genomics, Hangzhou Juno Genomics, Inc
Classification: Pathogenic for Hyperlipoproteinemia, type I; Hyperlipidemia, familial combined, LPL related. Review status: criteria provided, single submitter. Criteria: ACMG Guidelines, 2015. Collection method: clinical testing. Allele origin: germline. Affected: yes.
Comment: Absent from controls (or at extremely low frequency if recessive) in Genome Aggregation Database, Exome Sequencing Project, 1000 Genomes Project, or Exome Aggregation Consortium.;For recessive disorders, detected in trans with a pathogenic variant.;Patient's phenotype or family history is highly specific for a disease with a single genetic etiology.;Well-established in vitro or in vivo functional studies supportive of a damaging effect on the gene or gene product.

Literature cited by the submitters: PubMed 10560236 (cited by 3 submitters); PubMed 10619999 (cited by 4 submitters); PubMed 12883259 (cited by Natera, Inc.); PubMed 16972177 (cited by Natera, Inc. and Ambry Genetics); PubMed 19034041 (cited by Ambry Genetics); PubMed 24646025 (cited by Ambry Genetics); PubMed 26079787 (cited by Ambry Genetics); PubMed 26892137 (cited by Ambry Genetics); PubMed 27055971 (cited by Ambry Genetics); PubMed 27206937 (cited by Ambry Genetics); PubMed 29921298 (cited by Ambry Genetics and Women's Health and Genetics/Laboratory Corporation of America, LabCorp); PubMed 30420299 (cited by Ambry Genetics); PubMed 31352695 (cited by Ambry Genetics); PubMed 31901151 (cited by Ambry Genetics and Cardiovascular Genetics Laboratory, PathWest Laboratory Medicine WA - Fiona Stanley Hospital); PubMed 8077845 (cited by 3billion).